The following is an entry in ClinVar:

NM_001083962.2(TCF4):c.699G>C (p.Met233Ile)

Gene: TCF4 (transcription factor 4; minus strand). Cytogenetic location: 18q21.2.
Variant type: single nucleotide variant.
Coding change: c.699G>C on transcript NM_001083962.2 (MANE Select); coding-DNA position 699, G replaced by C.
Protein change: p.Met233Ile; replaces methionine 233 with isoleucine.
Molecular consequence: missense variant.
Genome position (GRCh38, 1-based): chr18:55,275,709, C>G on the plus strand (G>C on the coding strand, the complement: TCF4 is on the minus strand). VCF-style: chr18-55275709-C-G. GRCh37 (hg19) VCF-style: chr18-52942940-C-G.
Other names: c.627G>C, p.Met209Ile (NM_001348217.1, NM_001348218.2, NM_001348219.2 and 9 more transcripts); c.624G>C, p.Met208Ile (NM_001348220.1, NM_001369576.1, NM_001369578.1 and 3 more transcripts); c.699G>C, p.Met233Ile (NM_001369567.1, NM_001369568.1, NM_001369571.1 and 4 more transcripts); c.696G>C, p.Met232Ile (NM_001369569.1, NM_001369570.1, NM_001369573.1); c.1005G>C, p.Met335Ile (NM_001243226.3); c.717G>C, p.Met239Ile (NM_001243228.2); c.693G>C, p.Met231Ile (NM_001243230.2); c.573G>C, p.Met191Ile (NM_001243231.2, NM_001348211.2); and 4 more; short protein forms M191I, M239I, M335I, M73I, M17I, M233I, M162I, M209I.
Identifiers: ClinVar variation 808398 (VCV000808398.42), dbSNP rs1233945994, ClinGen allele CA402701592.

ClinVar aggregate classification (germline): Uncertain significance (1 of 4 stars; one submission).

Submission:

CeGaT Center for Human Genetics Tuebingen
Classification: Uncertain significance. Last evaluated: 2025-11-01. Review status: criteria provided, single submitter. Criteria: CeGaT Center For Human Genetics Tuebingen Variant Classification Criteria Version 2. Collection method: clinical testing. Allele origin: germline. Affected: yes. Observed: 3 variant alleles.
Comment: TCF4: PM2, BP5